The following is an entry in ClinVar:

ClinVar aggregate classification (germline): Uncertain significance. Review status: criteria provided, multiple submitters, no conflicts (2 of 4 stars). 2 submissions from 2 submitters: Uncertain significance (2). Last evaluated 2025-09-22.

Conditions:
Inborn genetic diseases. Identifiers: MedGen C0950123, MeSH D030342.

Allele frequency attached by ClinVar (database versions not stated): gnomAD exomes 0.00003; TOPMed 0.00002; ESP Exome Variant Server 0.00008; ExAC 0.00002.
gnomAD v4.1: 78 of 1,614,194 alleles (0.0048%); highest among the groups gnomAD compares: Non-Finnish European, 0.0066%; no homozygotes.

Submissions (2):

Ambry Genetics
Classification: Uncertain significance for Inborn genetic diseases. Last evaluated: 2025-09-22. Review status: criteria provided, single submitter. Criteria: Ambry Variant Classification Scheme 2023. Collection method: clinical testing. Allele origin: germline.

Labcorp Genetics (formerly Invitae), Labcorp
Classification: Uncertain significance. Last evaluated: 2024-12-16. Review status: criteria provided, single submitter. Criteria: Invitae Variant Classification Sherloc (09022015). Collection method: clinical testing. Allele origin: germline.
Comment: This sequence change replaces glycine, which is neutral and non-polar, with valine, which is neutral and non-polar, at codon 157 of the C9 protein (p.Gly157Val). This variant is present in population databases (rs367578299, gnomAD 0.006%). This variant has not been reported in the literature in individuals affected with C9-related conditions. ClinVar contains an entry for this variant (Variation ID: 1417362). Invitae Evidence Modeling of protein sequence and biophysical properties (such as structural, functional, and spatial information, amino acid conservation, physicochemical variation, residue mobility, and thermodynamic stability) indicates that this missense variant is expected to disrupt C9 protein function with a positive predictive value of 80%. In summary, the available evidence is currently insufficient to determine the role of this variant in disease. Therefore, it has been classified as a Variant of Uncertain Significance.

NM_001737.5(C9):c.470G>T (p.Gly157Val)

Gene: C9 (complement C9; minus strand). Cytogenetic location: 5p13.1.
Variant type: single nucleotide variant.
Coding change: c.470G>T on transcript NM_001737.5 (MANE Select); coding-DNA position 470, G replaced by T.
Protein change: p.Gly157Val; replaces glycine 157 with valine.
Molecular consequence: missense variant.
Genome position (GRCh38, 1-based): chr5:39,341,152, C>A on the plus strand (G>T on the coding strand, the complement: C9 is on the minus strand). VCF-style: chr5-39341152-C-A. GRCh37 (hg19) VCF-style: chr5-39341254-C-A.
Other names: c.470G>T (NM_001737.3); short protein forms G157V.
Identifiers: ClinVar variation 1417362 (VCV001417362.8), dbSNP rs367578299, ClinGen allele CA3247004.